The following is an entry in ClinVar:

NM_006031.6(PCNT):c.2945T>C (p.Ile982Thr)

Gene: PCNT (pericentrin; plus strand). Cytogenetic location: 21q22.3.
Variant type: single nucleotide variant.
Coding change: c.2945T>C on transcript NM_006031.6 (MANE Select); coding-DNA position 2945, T replaced by C.
Protein change: p.Ile982Thr; replaces isoleucine 982 with threonine.
Molecular consequence: missense variant.
Genome position (GRCh38, 1-based): chr21:46,366,919, T>C. VCF-style: chr21-46366919-T-C. GRCh37 (hg19) VCF-style: chr21-47786834-T-C.
Other names: c.2945T>C (NM_006031.5); c.2591T>C, p.Ile864Thr (NM_001315529.2); short protein forms I982T, I864T.
Identifiers: ClinVar variation 1918040 (VCV001918040.6), dbSNP rs771285670, ClinGen allele CA10079138.

ClinVar aggregate classification (germline): Uncertain significance. Review status: criteria provided, multiple submitters, no conflicts (2 of 4 stars). 2 submissions from 2 submitters: Uncertain significance (2). Last evaluated 2026-02-27.

Conditions:
PCNT-related disorder. Also called: PCNT-related condition.

Allele frequency attached by ClinVar (database versions not stated): gnomAD 0.00001; gnomAD exomes 0.00001; TOPMed 0.00001; ExAC 0.00003.
gnomAD v4.1: 14 of 1,614,066 alleles (0.00087%); highest among the groups gnomAD compares: Non-Finnish European, 0.0012%; no homozygotes.

Submissions (2):

PreventionGenetics, part of Exact Sciences
Classification: Uncertain significance for PCNT-related condition. Last evaluated: 2026-02-27. Review status: criteria provided, single submitter. Criteria: ACMG Guidelines, 2015. Collection method: clinical testing. Allele origin: germline.
Comment: The PCNT c.2945T>C variant is predicted to result in the amino acid substitution p.Ile982Thr. To our knowledge, this variant has not been reported in the literature. This variant is reported in 0.0062% of alleles in individuals of European (Non-Finnish) descent in gnomAD. At this time, the clinical significance of this variant is uncertain due to the absence of conclusive functional and genetic evidence.

Labcorp Genetics (formerly Invitae), Labcorp
Classification: Uncertain significance. Last evaluated: 2024-10-24. Review status: criteria provided, single submitter. Criteria: Invitae Variant Classification Sherloc (09022015). Collection method: clinical testing. Allele origin: germline.
Comment: This sequence change replaces isoleucine, which is neutral and non-polar, with threonine, which is neutral and polar, at codon 982 of the PCNT protein (p.Ile982Thr). This variant is present in population databases (rs771285670, gnomAD 0.005%). This variant has not been reported in the literature in individuals affected with PCNT-related conditions. ClinVar contains an entry for this variant (Variation ID: 1918040). An algorithm developed to predict the effect of missense changes on protein structure and function (PolyPhen-2) suggests that this variant is likely to be disruptive. In summary, the available evidence is currently insufficient to determine the role of this variant in disease. Therefore, it has been classified as a Variant of Uncertain Significance.